The following is an entry in ClinVar:

NM_002474.3(MYH11):c.4514C>T (p.Thr1505Ile)

Genes: MYH11 (myosin heavy chain 11; minus strand), NDE1 (nudE neurodevelopment protein 1; plus strand). Cytogenetic location: 16p13.11.
Variant type: single nucleotide variant.
Coding change: c.4514C>T on transcript NM_002474.3 (MANE Select); coding-DNA position 4514, C replaced by T.
Protein change: p.Thr1505Ile; replaces threonine 1505 with isoleucine.
Molecular consequence: missense variant. On other transcripts: intron variant (2).
Genome position (GRCh38, 1-based): chr16:15,721,486, G>A on the plus strand (C>T on the coding strand, the complement: MYH11 is on the minus strand). VCF-style: chr16-15721486-G-A. GRCh37 (hg19) VCF-style: chr16-15815343-G-A.
Other names: c.4535C>T, p.Thr1512Ile (NM_001040113.2, NM_001040114.2); c.4514C>T, p.Thr1505Ile (NM_022844.3); c.948-2705G>A (NM_001143979.2, NM_017668.3); short protein forms T1512I, T1505I.
Identifiers: ClinVar variation 921157 (VCV000921157.5), dbSNP rs2040481231, ClinGen allele CA394855052.

ClinVar aggregate classification (germline): Uncertain significance (1 of 4 stars; one submission).

Conditions:
Familial thoracic aortic aneurysm and aortic dissection (TAAD). Also called: Thoracic aortic aneurysms and dissections. Identifiers: Orphanet 91387, MedGen C4707243, MONDO:0019625.

gnomAD v4.1: 3 of 1,614,140 alleles (0.00019%); highest among the groups gnomAD compares: Non-Finnish European, 0.00025%; 1 homozygote.

Submission:

Color Diagnostics, LLC DBA Color Health
Classification: Uncertain significance for Familial thoracic aortic aneurysm and aortic dissection. Last evaluated: 2023-12-04. Review status: criteria provided, single submitter. Criteria: ACMG Guidelines, 2015. Collection method: clinical testing. Allele origin: germline.
Comment: Variant of Uncertain Significance due to insufficient evidence: This missense variant is located in the coiled coil myosin tail domain of the MYH11 protein. Computational prediction tools and conservation analyses are inconclusive regarding the impact of this variant on the protein function. Computational splicing tools suggest that this variant may not impact RNA splicing. To our knowledge, functional assays have not been performed for this variant nor has this variant been reported in individuals affected with cardiovascular disorders in the literature. This variant is rare in the general population and has been identified in 0/277264 chromosomes by the Genome Aggregation Database (gnomAD). Available evidence is insufficient to determine the pathogenicity of this variant conclusively.